The following is an entry in ClinVar:

ClinVar aggregate classification (germline): Uncertain significance (1 of 4 stars; one submission).

Allele frequency attached by ClinVar (database versions not stated): gnomAD 0.00001; gnomAD exomes 0.00001; TOPMed 0.00001.
gnomAD v4.1: 12 of 1,613,922 alleles (0.00074%); highest among the groups gnomAD compares: East Asian, 0.0067%; no homozygotes.

Submission:

Labcorp Genetics (formerly Invitae), Labcorp
Classification: Uncertain significance. Last evaluated: 2024-10-22. Review status: criteria provided, single submitter. Criteria: Invitae Variant Classification Sherloc (09022015). Collection method: clinical testing. Allele origin: germline.
Comment: This sequence change replaces arginine, which is basic and polar, with glutamine, which is neutral and polar, at codon 568 of the CDC45 protein (p.Arg568Gln). This variant is present in population databases (no rsID available, gnomAD 0.006%). This variant has not been reported in the literature in individuals affected with CDC45-related conditions. ClinVar contains an entry for this variant (Variation ID: 1394007). An algorithm developed to predict the effect of missense changes on protein structure and function (PolyPhen-2) suggests that this variant is likely to be tolerated. In summary, the available evidence is currently insufficient to determine the role of this variant in disease. Therefore, it has been classified as a Variant of Uncertain Significance.

NM_003504.5(CDC45):c.1607G>A (p.Arg536Gln)

Gene: CDC45 (cell division cycle 45; plus strand). Cytogenetic location: 22q11.21.
Variant type: single nucleotide variant.
Coding change: c.1607G>A on transcript NM_003504.5 (MANE Select); coding-DNA position 1607, G replaced by A.
Protein change: p.Arg536Gln; replaces arginine 536 with glutamine.
Molecular consequence: missense variant. On other transcripts: non-coding transcript variant (1).
Genome position (GRCh38, 1-based): chr22:19,516,864, G>A. VCF-style: chr22-19516864-G-A. GRCh37 (hg19) VCF-style: chr22-19504387-G-A.
Other names: c.1703G>A, p.Arg568Gln (NM_001178010.2); c.1469G>A, p.Arg490Gln (NM_001178011.2); c.1571G>A, p.Arg524Gln (NM_001369291.1); short protein forms R524Q, R568Q, R490Q, R536Q.
Identifiers: ClinVar variation 1394007 (VCV001394007.8), dbSNP rs1284753021, ClinGen allele CA410669639.